The following is an entry in ClinVar:

NM_001127208.3(TET2):c.5657T>G (p.Leu1886Ter)

Genes: TET2 (tet methylcytosine dioxygenase 2; plus strand), TET2-AS1 (TET2 antisense RNA 1; minus strand). Cytogenetic location: 4q24.
Variant type: single nucleotide variant.
Coding change: c.5657T>G on transcript NM_001127208.3 (MANE Select); coding-DNA position 5657, T replaced by G.
Protein change: p.Leu1886Ter; replaces leucine 1886 with a stop codon.
Molecular consequence: nonsense.
Genome position (GRCh38, 1-based): chr4:105,276,167, T>G. VCF-style: chr4-105276167-T-G. GRCh37 (hg19) VCF-style: chr4-106197324-T-G.
Other names: short protein forms L1886*.
Identifiers: ClinVar variation 3671984 (VCV003671984.2).

ClinVar aggregate classification (germline): Uncertain significance (1 of 4 stars; one submission).

Submission:

Labcorp Genetics (formerly Invitae), Labcorp
Classification: Uncertain significance. Last evaluated: 2024-02-15. Review status: criteria provided, single submitter. Criteria: Invitae Variant Classification Sherloc (09022015). Collection method: clinical testing. Allele origin: germline.
Comment: This sequence change creates a premature translational stop signal (p.Leu1886*) in the TET2 gene. While this is not anticipated to result in nonsense mediated decay, it is expected to disrupt the last 117 amino acid(s) of the TET2 protein. This variant is not present in population databases (gnomAD no frequency). This variant has not been reported in the literature in individuals affected with TET2-related conditions. Experimental studies and prediction algorithms are not available or were not evaluated, and the functional significance of this variant is currently unknown. In summary, the available evidence is currently insufficient to determine the role of this variant in disease. Therefore, it has been classified as a Variant of Uncertain Significance.